The following is an entry in ClinVar:

ClinVar aggregate classification (germline): Pathogenic/Likely pathogenic. Review status: criteria provided, multiple submitters, no conflicts (2 of 4 stars). 4 submissions from 4 submitters: Pathogenic (2); Likely pathogenic (1). 1 of the submissions does not count toward it. Last evaluated 2023-01-30.

Conditions:
Inherited Immunodeficiency Diseases. Identifiers: MedGen C5197805, MeSH D000081207.
X-linked agammaglobulinemia (XLA). Also called: Agammaglobulinemia, Bruton tyrosine kinase; Agammaglobulinemia, BTK; BTK-deficiency; IMMUNODEFICIENCY 1; Bruton's agammaglobulinemia; AGAMMAGLOBULINEMIA, X-LINKED, TYPE 1. Identifiers: Orphanet 229717, Orphanet 47, MedGen C0221026, MONDO:0010421, OMIM 300755.
X-linked agammaglobulinemia with growth hormone deficiency (IGHD3). Also called: ISOLATED GROWTH HORMONE DEFICIENCY, TYPE III, WITH AGAMMAGLOBULINEMIA; AGAMMAGLOBULINEMIA AND ISOLATED GROWTH HORMONE DEFICIENCY, X-LINKED; FLEISHER SYNDROME; HYPOGAMMAGLOBULINEMIA AND ISOLATED GROWTH HORMONE DEFICIENCY, X-LINKED; IGHD III; Isolated growth hormone deficiency type 3. Identifiers: Orphanet 231692, Orphanet 631, MedGen C0472813, MONDO:0010615, OMIM 307200.

Submissions (4):

Women's Health and Genetics/Laboratory Corporation of America, LabCorp
Classification: Pathogenic for X-linked agammaglobulinemia. Last evaluated: 2023-01-30. Review status: criteria provided, single submitter. Criteria: LabCorp Variant Classification Summary - May 2015. Collection method: clinical testing. Allele origin: germline.
Comment: Variant summary: BTK c.43C>T (p.Gln15X) results in a premature termination codon, predicted to cause a truncation of the encoded protein or absence of the protein due to nonsense mediated decay, which are commonly known mechanisms for disease. Truncations downstream of this position have been classified as pathogenic by our laboratory. The variant was absent in 183409 control chromosomes. c.43C>T has been reported in the literature in individuals affected with X-Linked Agammaglobulinemia (Conley_1994, Hagemann_1995, Turro_2020). These data indicate that the variant may be associated with disease. To our knowledge, no experimental evidence demonstrating an impact on protein function has been reported. One clinical diagnostic laboratory has submitted clinical-significance assessments for this variant to ClinVar after 2014 without evidence for independent evaluation. One laboratory classified the variant as likely pathogenic. Based on the evidence outlined above, the variant was classified as pathogenic.

Labcorp Genetics (formerly Invitae), Labcorp
Classification: Pathogenic for X-linked agammaglobulinemia with growth hormone deficiency. Last evaluated: 2022-05-19. Review status: criteria provided, single submitter. Criteria: Invitae Variant Classification Sherloc (09022015). Collection method: clinical testing. Allele origin: germline.
Comment: For these reasons, this variant has been classified as Pathogenic. ClinVar contains an entry for this variant (Variation ID: 11345). This premature translational stop signal has been observed in individual(s) with clinical features of agammaglobulinemia (PMID: 7849697, 32499645). This variant is not present in population databases (gnomAD no frequency). This sequence change creates a premature translational stop signal (p.Gln15*) in the BTK gene. It is expected to result in an absent or disrupted protein product. Loss-of-function variants in BTK are known to be pathogenic (PMID: 15661032, 16862044, 19419768).

NIHR Bioresource Rare Diseases, University of Cambridge
Classification: Likely pathogenic for Inherited Immunodeficiency Diseases. Last evaluated: 2019-01-01. Review status: criteria provided, single submitter. Criteria: ACMG Guidelines, 2015. Collection method: research. Allele origin: germline. Affected: yes. Observed: 1 hemizygote.

OMIM
Classification: Pathogenic for AGAMMAGLOBULINEMIA, X-LINKED. Last evaluated: 1994-10-01. Review status: no assertion criteria provided. Collection method: literature only. Allele origin: germline. Not counted in ClinVar's aggregate classification.

Literature cited by the submitters: PubMed 7849697 (cited by 3 submitters); PubMed 7627183 (cited by Women's Health and Genetics/Laboratory Corporation of America, LabCorp); PubMed 32581362 (cited by Women's Health and Genetics/Laboratory Corporation of America, LabCorp); PubMed 32499645 (cited by Labcorp Genetics (formerly Invitae), Labcorp); PubMed 15661032 (cited by Labcorp Genetics (formerly Invitae), Labcorp); PubMed 16862044 (cited by Labcorp Genetics (formerly Invitae), Labcorp); PubMed 19419768 (cited by Labcorp Genetics (formerly Invitae), Labcorp).

NM_000061.3(BTK):c.43C>T (p.Gln15Ter)

Gene: BTK (Bruton tyrosine kinase; minus strand). Cytogenetic location: Xq22.1.
Variant type: single nucleotide variant.
Coding change: c.43C>T on transcript NM_000061.3 (MANE Select); coding-DNA position 43, C replaced by T.
Protein change: p.Gln15Ter; replaces glutamine 15 with a stop codon.
Molecular consequence: nonsense.
Genome position (GRCh38, 1-based): chrX:101,375,242, G>A on the plus strand (C>T on the coding strand, the complement: BTK is on the minus strand). VCF-style: chrX-101375242-G-A. GRCh37 (hg19) VCF-style: chrX-100630230-G-A.
Other names: c.145C>T, p.Gln49Ter (NM_001287344.2); c.43C>T, p.Gln15Ter (NM_001287345.2); short protein forms Q15*, Q49*.
Identifiers: ClinVar variation 11345 (VCV000011345.10), dbSNP rs128620188, ClinGen allele CA255791.